The following is an entry in ClinVar:

ClinVar aggregate classification (germline): Uncertain significance. Review status: criteria provided, multiple submitters, no conflicts (2 of 4 stars). 2 submissions from 2 submitters: Uncertain significance (2). Last evaluated 2024-10-01.

Conditions:
Inborn genetic diseases. Identifiers: MedGen C0950123, MeSH D030342.

Allele frequency attached by ClinVar (database versions not stated): gnomAD 0.00001; gnomAD exomes 0.00001; TOPMed 0.00001.
gnomAD v4.1: 10 of 1,611,350 alleles (0.00062%); highest among the groups gnomAD compares: Admixed American, 0.015%; no homozygotes.

Submissions (2):

Ambry Genetics
Classification: Uncertain significance for Inborn genetic diseases. Last evaluated: 2024-10-01. Review status: criteria provided, single submitter. Criteria: Ambry Variant Classification Scheme 2023. Collection method: clinical testing. Allele origin: germline.

Labcorp Genetics (formerly Invitae), Labcorp
Classification: Uncertain significance. Last evaluated: 2021-12-02. Review status: criteria provided, single submitter. Criteria: Invitae Variant Classification Sherloc (09022015). Collection method: clinical testing. Allele origin: germline.
Comment: This sequence change replaces leucine, which is neutral and non-polar, with valine, which is neutral and non-polar, at codon 30 of the PCDH12 protein (p.Leu30Val). This variant is present in population databases (no rsID available, gnomAD 0.006%). This variant has not been reported in the literature in individuals affected with PCDH12-related conditions. Advanced modeling of protein sequence and biophysical properties (such as structural, functional, and spatial information, amino acid conservation, physicochemical variation, residue mobility, and thermodynamic stability) performed at Invitae indicates that this missense variant is not expected to disrupt PCDH12 protein function. In summary, the available evidence is currently insufficient to determine the role of this variant in disease. Therefore, it has been classified as a Variant of Uncertain Significance.

NM_016580.4(PCDH12):c.88C>G (p.Leu30Val)

Genes: PCDH12 (protocadherin 12; minus strand), RNF14 (ring finger protein 14; plus strand). Cytogenetic location: 5q31.3.
Variant type: single nucleotide variant.
Coding change: c.88C>G on transcript NM_016580.4 (MANE Select); coding-DNA position 88, C replaced by G.
Protein change: p.Leu30Val; replaces leucine 30 with valine.
Molecular consequence: missense variant.
Genome position (GRCh38, 1-based): chr5:141,957,764, G>C on the plus strand (C>G on the coding strand, the complement: PCDH12 is on the minus strand). VCF-style: chr5-141957764-G-C. GRCh37 (hg19) VCF-style: chr5-141337329-G-C.
Other names: c.88C>G (NM_016580.2); short protein forms L30V.
Identifiers: ClinVar variation 1431830 (VCV001431830.6), dbSNP rs751849057, ClinGen allele CA361592532.